The following is an entry in ClinVar:

ClinVar aggregate classification (germline): Likely benign. Review status: criteria provided, multiple submitters, no conflicts (2 of 4 stars). 2 submissions from 2 submitters: Likely benign (2). Last evaluated 2025-10-18.

Allele frequency attached by ClinVar (database versions not stated): ExAC 0.00002; gnomAD exomes 0.00002 and 0.00001; gnomAD 0.00003; ESP Exome Variant Server 0.00008; TOPMed 0.00003.
gnomAD v4.1: 29 of 1,601,322 alleles (0.0018%); highest among the groups gnomAD compares: African/African-American, 0.0027%; no homozygotes.

Submissions (2):

Labcorp Genetics (formerly Invitae), Labcorp
Classification: Likely benign. Last evaluated: 2025-10-18. Review status: criteria provided, single submitter. Criteria: Invitae Variant Classification Sherloc (09022015). Collection method: clinical testing. Allele origin: germline.

GeneDx
Classification: Likely benign. Last evaluated: 2018-01-24. Review status: criteria provided, single submitter. Criteria: GeneDx Variant Classification (06012015). Collection method: clinical testing. Allele origin: germline. Affected: yes.
Comment: This variant is considered likely benign or benign based on one or more of the following criteria: it is a conservative change, it occurs at a poorly conserved position in the protein, it is predicted to be benign by multiple in silico algorithms, and/or has population frequency not consistent with disease.

NM_003573.2(LTBP4):c.230+13T>A

Gene: LTBP4 (latent transforming growth factor beta binding protein 4; plus strand). Cytogenetic location: 19q13.2.
Variant type: single nucleotide variant.
Coding change: c.230+13T>A on transcript NM_003573.2; 13 bases into the intron after coding-DNA position 230, T replaced by A.
Molecular consequence: intron variant.
Genome position (GRCh38, 1-based): chr19:40,599,569, T>A. VCF-style: chr19-40599569-T-A. GRCh37 (hg19) VCF-style: chr19-41105475-T-A.
Other names: c.341+13T>A (NM_001042544.1).
Identifiers: ClinVar variation 506514 (VCV000506514.6), dbSNP rs369658361, ClinGen allele CA9447963.